The following is an entry in ClinVar:

NM_000660.7(TGFB1):c.908G>C (p.Arg303Pro)

Gene: TGFB1 (transforming growth factor beta 1; minus strand). Cytogenetic location: 19q13.2.
Variant type: single nucleotide variant.
Coding change: c.908G>C on transcript NM_000660.7 (MANE Select); coding-DNA position 908, G replaced by C.
Protein change: p.Arg303Pro; replaces arginine 303 with proline.
Molecular consequence: missense variant.
Genome position (GRCh38, 1-based): chr19:41,332,234, C>G on the plus strand (G>C on the coding strand, the complement: TGFB1 is on the minus strand). VCF-style: chr19-41332234-C-G. GRCh37 (hg19) VCF-style: chr19-41838139-C-G.
Other names: short protein forms R303P.
Identifiers: ClinVar variation 4742321 (VCV004742321.1).

ClinVar aggregate classification (germline): Uncertain significance (1 of 4 stars; one submission).

Submission:

Labcorp Genetics (formerly Invitae), Labcorp
Classification: Uncertain significance. Last evaluated: 2025-03-31. Review status: criteria provided, single submitter. Criteria: Invitae Variant Classification Sherloc (09022015). Collection method: clinical testing. Allele origin: germline.
Comment: This sequence change replaces arginine, which is basic and polar, with proline, which is neutral and non-polar, at codon 303 of the TGFB1 protein (p.Arg303Pro). This variant is not present in population databases (gnomAD no frequency). This variant has not been reported in the literature in individuals affected with TGFB1-related conditions. Invitae Evidence Modeling of protein sequence and biophysical properties (such as structural, functional, and spatial information, amino acid conservation, physicochemical variation, residue mobility, and thermodynamic stability) indicates that this missense variant is expected to disrupt TGFB1 protein function with a positive predictive value of 80%. In summary, the available evidence is currently insufficient to determine the role of this variant in disease. Therefore, it has been classified as a Variant of Uncertain Significance.